The following is an entry in ClinVar:

ClinVar aggregate classification (germline): Uncertain significance (1 of 4 stars; one submission).

Conditions:
Acrocallosal syndrome (ACLS). Also called: Schinzel syndrome 1; Absence of corpus callosum with unusual facial appearance, mental deficiency, duplication of the halluces and polydactyly; HALLUX DUPLICATION, POSTAXIAL POLYDACTYLY, AND ABSENCE OF CORPUS CALLOSUM. Identifiers: Orphanet 36, MedGen C0796147, MONDO:0008708, OMIM 200990.

Submission:

Labcorp Genetics (formerly Invitae), Labcorp
Classification: Uncertain significance for Acrocallosal syndrome. Last evaluated: 2022-09-06. Review status: criteria provided, single submitter. Criteria: Invitae Variant Classification Sherloc (09022015). Collection method: clinical testing. Allele origin: germline.
Comment: In summary, the available evidence is currently insufficient to determine the role of this variant in disease. Therefore, it has been classified as a Variant of Uncertain Significance. Algorithms developed to predict the effect of missense changes on protein structure and function are either unavailable or do not agree on the potential impact of this missense change (SIFT: "Deleterious"; PolyPhen-2: "Possibly Damaging"; Align-GVGD: "Class C0"). ClinVar contains an entry for this variant (Variation ID: 1413428). This variant has not been reported in the literature in individuals affected with KIF7-related conditions. This variant is not present in population databases (gnomAD no frequency). This sequence change replaces asparagine, which is neutral and polar, with histidine, which is basic and polar, at codon 1341 of the KIF7 protein (p.Asn1341His).

NM_198525.3(KIF7):c.4021A>C (p.Asn1341His)

Gene: KIF7 (kinesin family member 7; minus strand). Cytogenetic location: 15q26.1.
Variant type: single nucleotide variant.
Coding change: c.4021A>C on transcript NM_198525.3 (MANE Select); coding-DNA position 4021, A replaced by C.
Protein change: p.Asn1341His; replaces asparagine 1341 with histidine.
Molecular consequence: missense variant.
Genome position (GRCh38, 1-based): chr15:89,628,430, T>G on the plus strand (A>C on the coding strand, the complement: KIF7 is on the minus strand). VCF-style: chr15-89628430-T-G. GRCh37 (hg19) VCF-style: chr15-90171661-T-G.
Other names: short protein forms N1341H.
Identifiers: ClinVar variation 1413428 (VCV001413428.6), dbSNP rs2141990725, ClinGen allele CA393752262.